The following is an entry in ClinVar:

ClinVar aggregate classification (germline): Uncertain significance (1 of 4 stars; one submission).

Submission:

Labcorp Genetics (formerly Invitae), Labcorp
Classification: Uncertain significance. Last evaluated: 2021-04-17. Review status: criteria provided, single submitter. Criteria: Invitae Variant Classification Sherloc (09022015). Collection method: clinical testing. Allele origin: germline.
Comment: This sequence change replaces histidine with proline at codon 1181 of the MYO7A protein (p.His1181Pro). The histidine residue is moderately conserved and there is a moderate physicochemical difference between histidine and proline. In summary, the available evidence is currently insufficient to determine the role of this variant in disease. Therefore, it has been classified as a Variant of Uncertain Significance. Advanced modeling of protein sequence and biophysical properties (such as structural, functional, and spatial information, amino acid conservation, physicochemical variation, residue mobility, and thermodynamic stability) performed at Invitae indicates that this missense variant is not expected to disrupt MYO7A protein function. This variant has not been reported in the literature in individuals with MYO7A-related conditions. This variant is not present in population databases (ExAC no frequency).

NM_000260.4(MYO7A):c.3542A>C (p.His1181Pro)

Gene: MYO7A (myosin VIIA; plus strand). Cytogenetic location: 11q13.5.
Variant type: single nucleotide variant.
Coding change: c.3542A>C on transcript NM_000260.4 (MANE Select); coding-DNA position 3542, A replaced by C.
Protein change: p.His1181Pro; replaces histidine 1181 with proline.
Molecular consequence: missense variant.
Genome position (GRCh38, 1-based): chr11:77,189,382, A>C. VCF-style: chr11-77189382-A-C. GRCh37 (hg19) VCF-style: chr11-76900427-A-C.
Other names: c.3542A>C, p.His1181Pro (NM_001127180.2); c.3509A>C, p.His1170Pro (NM_001369365.1); short protein forms H1170P, H1181P.
Identifiers: ClinVar variation 1346426 (VCV001346426.8), dbSNP rs2135549607, ClinGen allele CA381946904.